The following is an entry in ClinVar:

ClinVar aggregate classification (germline): Conflicting classifications of pathogenicity. Review status: criteria provided, conflicting classifications (1 of 4 stars). 7 submissions from 7 submitters: Uncertain significance (1); Benign (1); Likely benign (4). 1 of the submissions does not count toward it. Last evaluated 2026-08-01.

Conditions:
OTOF-related disorder. Also called: OTOF-related condition.
Autosomal recessive nonsyndromic hearing loss 9. Also called: NEUROSENSORY NONSYNDROMIC RECESSIVE DEAFNESS 9; AUDITORY NEUROPATHY, AUTOSOMAL RECESSIVE, 1, TEMPERATURE-SENSITIVE; OTOF-Related Hearing Loss; Deafness, autosomal recessive 9. Identifiers: Orphanet 90636, MedGen C1832828, MONDO:0010986, OMIM 601071.

Allele frequency attached by ClinVar (database versions not stated): gnomAD 0.00003 and 0.00041; TOPMed 0.00005; gnomAD exomes 0.00070 and 0.00145; ExAC 0.00176; 1000 Genomes Project 30x 0.00234; 1000 Genomes Project 0.00260.
gnomAD v4.1: 1,075 of 1,613,666 alleles (0.067%); highest among the groups gnomAD compares: South Asian, 1.1%; 13 homozygotes.

Submissions (7):

CeGaT Center for Human Genetics Tuebingen
Classification: Likely benign. Last evaluated: 2026-08-01. Review status: criteria provided, single submitter. Criteria: CeGaT Center For Human Genetics Tuebingen Variant Classification Criteria Version 2. Collection method: clinical testing. Allele origin: germline. Affected: yes. Observed: 2 variant alleles.
Comment: OTOF: BP4, BP7, BS1

Labcorp Genetics (formerly Invitae), Labcorp
Classification: Benign. Last evaluated: 2026-01-28. Review status: criteria provided, single submitter. Criteria: Invitae Variant Classification Sherloc (09022015). Collection method: clinical testing. Allele origin: germline.

Blueprint Genetics
Classification: Likely benign. Last evaluated: 2024-11-08. Review status: criteria provided, single submitter. Criteria: ACMG Guidelines, 2015. Collection method: clinical testing. Allele origin: germline.

GeneDx
Classification: Likely benign. Last evaluated: 2019-03-29. Review status: criteria provided, single submitter. Criteria: GeneDx Variant Classification Process June 2021. Collection method: clinical testing. Allele origin: germline. Affected: yes.

Illumina Laboratory Services, Illumina
Classification: Uncertain significance for Autosomal recessive nonsyndromic hearing loss 9. Last evaluated: 2018-03-30. Review status: criteria provided, single submitter. Criteria: ICSL Variant Classification Criteria 13 December 2019. Collection method: clinical testing. Allele origin: germline.

Laboratory for Molecular Medicine, Mass General Brigham Personalized Medicine
Classification: Likely benign. Last evaluated: 2013-09-07. Review status: criteria provided, single submitter. Criteria: LMM Criteria. Collection method: clinical testing. Allele origin: germline. Observed: 2 variant alleles.
Comment: Leu1666Leu in Exon 40 of OTOF: This variant is not expected to have clinical sig nificance because it does not alter an amino acid residue and it is not located within the splice consensus sequence. This variant has been identified in 0.08% (1/1254) of European chromosomes by the ClinSeq Agilent Project (CSAgilent; dbSN P rs199854846).

PreventionGenetics, part of Exact Sciences
Classification: Benign for OTOF-related condition. Last evaluated: 2019-06-15. Review status: no assertion criteria provided. Collection method: clinical testing. Allele origin: germline. Not counted in ClinVar's aggregate classification.
Comment: This variant is classified as benign based on ACMG/AMP sequence variant interpretation guidelines (Richards et al. 2015 PMID: 25741868, with internal and published modifications).

NM_194248.3(OTOF):c.4996T>C (p.Leu1666=)

Gene: OTOF (otoferlin; minus strand). Cytogenetic location: 2p23.3.
Variant type: single nucleotide variant.
Coding change: c.4996T>C on transcript NM_194248.3 (MANE Select); coding-DNA position 4996, T replaced by C.
Protein change: p.Leu1666=; no amino-acid change (leucine 1666 retained).
Molecular consequence: synonymous variant.
Genome position (GRCh38, 1-based): chr2:26,464,071, A>G on the plus strand (T>C on the coding strand, the complement: OTOF is on the minus strand). VCF-style: chr2-26464071-A-G. GRCh37 (hg19) VCF-style: chr2-26686939-A-G.
Other names: c.4996T>C, p.Leu1666= (NM_001287489.2); c.2695T>C, p.Leu899= (NM_004802.4, NM_194323.3); c.2926T>C, p.Leu976= (NM_194322.3).
Identifiers: ClinVar variation 179200 (VCV000179200.23), dbSNP rs199854846, ClinGen allele CA183944.
Genomic context (GRCh38, chr2:26,464,071, plus strand): 5'-CATGCTCTGGCACCAGGCGGCAGCCTGCGCGGGGGATGTCCTCCCAGTGCCTCAGGGCCA[A>G]CAGCGCCACATGCTCGTCTGTGGGCTTCCTCTGACCTGTGGGTGCCGGCGGCTCAGCTGC-3'
Protein context (NP_919224.1, residues 1656-1676): RKPTDEHVAL[Leu1666=]ALRHWEDIPR